The following is an entry in ClinVar:

ClinVar aggregate classification (germline): Uncertain significance (1 of 4 stars; one submission).

Conditions:
Bethlem myopathy 1A. Also called: Bethlem Muscular Dystrophy; MYOPATHY, BENIGN CONGENITAL, WITH CONTRACTURES; Bethlem myopathy 1. Identifiers: Orphanet 610, MedGen CN029274, MONDO:0024530, OMIM 158810.

Allele frequency attached by ClinVar (database versions not stated): gnomAD exomes below 0.00001; gnomAD 0.00001.

Submission:

Labcorp Genetics (formerly Invitae), Labcorp
Classification: Uncertain significance for Bethlem myopathy 1A. Last evaluated: 2020-05-15. Review status: criteria provided, single submitter. Criteria: Invitae Variant Classification Sherloc (09022015). Collection method: clinical testing. Allele origin: germline.
Comment: In summary, the available evidence is currently insufficient to determine the role of this variant in disease. Therefore, it has been classified as a Variant of Uncertain Significance. Algorithms developed to predict the effect of missense changes on protein structure and function are either unavailable or do not agree on the potential impact of this missense change (SIFT: "Tolerated"; PolyPhen-2: "Probably Damaging"; Align-GVGD: "Class C0"). This variant has not been reported in the literature in individuals with COL6A1-related conditions. This variant is not present in population databases (ExAC no frequency). This sequence change replaces proline with serine at codon 459 of the COL6A1 protein (p.Pro459Ser). The proline residue is moderately conserved and there is a moderate physicochemical difference between proline and serine.

NM_001848.3(COL6A1):c.1375C>T (p.Pro459Ser)

Gene: COL6A1 (collagen type VI alpha 1 chain; plus strand). Cytogenetic location: 21q22.3.
Variant type: single nucleotide variant.
Coding change: c.1375C>T on transcript NM_001848.3 (MANE Select); coding-DNA position 1375, C replaced by T.
Protein change: p.Pro459Ser; replaces proline 459 with serine.
Molecular consequence: missense variant.
Genome position (GRCh38, 1-based): chr21:45,994,206, C>T. VCF-style: chr21-45994206-C-T. GRCh37 (hg19) VCF-style: chr21-47414120-C-T.
Other names: short protein forms P459S.
Identifiers: ClinVar variation 1039881 (VCV001039881.9), dbSNP rs1235742792, ClinGen allele CA410527113.
Genomic context (GRCh38, chr21:45,994,206, plus strand): 5'-TCACGGCTCGTTTCTCTTCAGGGTGAAGCTGGCCCGCAGGGTGATCAGGGAAGAGAAGGC[C>T]CCGTTGGTGTCCCTGGAGACCCGGTAGGAAGCGCTGTGGGGTTGGGGGGCGTTGGCCAAT-3'
Protein context (NP_001839.2, residues 449-469): GPQGDQGREG[Pro459Ser]VGVPGDPGEA